The following is an entry in ClinVar:

NM_005228.5(EGFR):c.454A>G (p.Asn152Asp)

Gene: EGFR (epidermal growth factor receptor; plus strand). Cytogenetic location: 7p11.2.
Variant type: single nucleotide variant.
Coding change: c.454A>G on transcript NM_005228.5 (MANE Select); coding-DNA position 454, A replaced by G.
Protein change: p.Asn152Asp; replaces asparagine 152 with aspartic acid.
Molecular consequence: missense variant. On other transcripts: intron variant (3).
Genome position (GRCh38, 1-based): chr7:55,146,635, A>G. VCF-style: chr7-55146635-A-G. GRCh37 (hg19) VCF-style: chr7-55214328-A-G.
Other names: c.454A>G, p.Asn152Asp (NM_001346898.2, NM_201282.2, NM_201283.2 and 1 more transcripts); c.295A>G, p.Asn99Asp (NM_001346900.2); c.424+3147A>G (NM_001346899.2, NM_001346897.2); c.89-9195A>G (NM_001346941.2); short protein forms N152D, N99D.
Identifiers: ClinVar variation 4016732 (VCV004016732.1).

ClinVar aggregate classification (germline): Uncertain significance (1 of 4 stars; one submission).

Conditions:
Hereditary cancer-predisposing syndrome. Also called: Tumor predisposition; Hereditary neoplastic syndrome; Neoplastic Syndromes, Hereditary; Hereditary Cancer Syndrome. Identifiers: Orphanet 140162, MedGen C0027672, MeSH D009386, MONDO:0015356.

Submission:

Ambry Genetics
Classification: Uncertain significance for Hereditary cancer-predisposing syndrome. Last evaluated: 2025-04-09. Review status: criteria provided, single submitter. Criteria: Ambry Variant Classification Scheme 2023. Collection method: clinical testing. Allele origin: germline.
Comment: The p.N152D variant (also known as c.454A>G), located in coding exon 4 of the EGFR gene, results from an A to G substitution at nucleotide position 454. The asparagine at codon 152 is replaced by aspartic acid, an amino acid with highly similar properties. This amino acid position is conserved. In addition, this alteration is predicted to be tolerated by in silico analysis. Based on the available evidence, the clinical significance of this variant remains unclear.